The following is an entry in ClinVar:

ClinVar aggregate classification (germline): Likely benign (0 of 4 stars; one submission).

Conditions:
DCHS2-related disorder. Also called: DCHS2-related condition.

Allele frequency attached by ClinVar (database versions not stated): gnomAD 0.00001; TOPMed 0.00001; ExAC 0.00003.
gnomAD v4.1: 12 of 1,590,020 alleles (0.00075%); highest among the groups gnomAD compares: Admixed American, 0.017%; no homozygotes.

Submission:

PreventionGenetics, part of Exact Sciences
Classification: Likely benign for DCHS2-related condition. Last evaluated: 2019-06-27. Review status: no assertion criteria provided. Collection method: clinical testing. Allele origin: germline.
Comment: This variant is classified as likely benign based on ACMG/AMP sequence variant interpretation guidelines (Richards et al. 2015 PMID: 25741868, with internal and published modifications).

NM_001358235.2(DCHS2):c.6464-5T>C

Genes: DCHS2 (dachsous cadherin-related 2; minus strand), DCHS2-AS1 (DCHS2 antisense RNA 1; plus strand). Cytogenetic location: 4q31.3.
Variant type: single nucleotide variant.
Coding change: c.6464-5T>C on transcript NM_001358235.2 (MANE Select); 5 bases into the intron before coding-DNA position 6464, T replaced by C.
Molecular consequence: intron variant.
Genome position (GRCh38, 1-based): chr4:154,270,018, A>G on the plus strand (T>C on the coding strand, the complement: DCHS2 is on the minus strand). VCF-style: chr4-154270018-A-G. GRCh37 (hg19) VCF-style: chr4-155191170-A-G.
Identifiers: ClinVar variation 3043266 (VCV003043266.2), dbSNP rs763710052, ClinGen allele CA3112418.